The following is an entry in ClinVar:

NM_003292.3(TPR):c.2610+5G>A

Gene: TPR (translocated promoter region, nuclear basket protein; minus strand). Cytogenetic location: 1q31.1.
Variant type: single nucleotide variant.
Coding change: c.2610+5G>A on transcript NM_003292.3 (MANE Select); 5 bases into the intron after coding-DNA position 2610, G replaced by A.
Molecular consequence: intron variant.
Genome position (GRCh38, 1-based): chr1:186,351,325, C>T on the plus strand (G>A on the coding strand, the complement: TPR is on the minus strand). VCF-style: chr1-186351325-C-T. GRCh37 (hg19) VCF-style: chr1-186320457-C-T.
Other names: IVSAS20, G-A, +5.
Identifiers: ClinVar variation 2502916 (VCV002502916.3), dbSNP rs2526595403, ClinGen allele CA2580611557.

ClinVar aggregate classification (germline): Uncertain significance. Review status: criteria provided, single submitter (1 of 4 stars). 2 submissions from 2 submitters: Uncertain significance (1). 1 of the submissions does not count toward it. Last evaluated 2025-06-18.

Conditions:
Intellectual developmental disorder, autosomal recessive 79 (MRT79). Identifiers: MedGen C5830553, MONDO:0957288, OMIM 620393.

Submissions (2):

Broad Center for Mendelian Genomics, Broad Institute of MIT and Harvard
Classification: Uncertain significance for Intellectual developmental disorder, autosomal recessive 79. Last evaluated: 2025-06-18. Review status: criteria provided, single submitter. Criteria: ACMG Guidelines, 2015. Collection method: curation. Allele origin: germline. Inheritance: Autosomal recessive inheritance. Study: GREGoR Consortium.
Comment: The heterozygous c.2610+5G>A variant in TPR was identified by our study, in the compound heterozygous state along with a variant of uncertain significance, in 2 affected siblings with autosomal recessive intellectual developmental disorder (PMID: 34494102, 34740920). Trio exome analysis revealed that this variant was in trans with the VUS. The c.2610+5G>A variant in TPR has not been previously reported in the literature in individuals with autosomal recessive intellectual disorder, and was absent from large population studies. In vitro functional studies provide some evidence that the c.2610+5G>A variant may impact protein function (PMID: 34494102). However, these types of assays may not accurately represent biological function. RNAseq performed on unaffected tissues show evidence of in frame deletion of 12 amino acids (PMID: 34494102). This variant is located in the 5' splice region. Computational tools predict a splicing impact, though this information is not predictive enough to determine/rule out pathogenicity. There is an in-frame cryptic splice site 36 bases from the intron-exon boundary, providing evidence that this variant may delete 12 amino acids instead of causing loss of function. It is of note that loss of function of TPR in an autosomal recessive disease has not yet been established based on the criteria laid out in Tayoun et al., 2018 (PMID: 30192042). Furthermore, although this gene has been reported in association with intellectual developmental disorder, it currently has limited evidence for these associations. In summary, the clinical significance of the c.2610+5G>A variant is uncertain.

OMIM
Classification: Pathogenic for INTELLECTUAL DEVELOPMENTAL DISORDER, AUTOSOMAL RECESSIVE 79 (1 family). Last evaluated: 2026-04-22. Review status: no assertion criteria provided. Collection method: literature only. Allele origin: germline. Not counted in ClinVar's aggregate classification.

Literature cited by the submitters: PubMed 34494102 (cited by OMIM).